The following is an entry in ClinVar:

NM_004171.4(SLC1A2):c.211C>T (p.His71Tyr)

Gene: SLC1A2 (solute carrier family 1 member 2; minus strand). Cytogenetic location: 11p13.
Variant type: single nucleotide variant.
Coding change: c.211C>T on transcript NM_004171.4 (MANE Select); coding-DNA position 211, C replaced by T.
Protein change: p.His71Tyr; replaces histidine 71 with tyrosine.
Molecular consequence: missense variant.
Genome position (GRCh38, 1-based): chr11:35,315,122, G>A on the plus strand (C>T on the coding strand, the complement: SLC1A2 is on the minus strand). VCF-style: chr11-35315122-G-A. GRCh37 (hg19) VCF-style: chr11-35336669-G-A.
Other names: c.184C>T, p.His62Tyr (NM_001195728.3, NM_001252652.2, NM_001439341.1); c.199C>T, p.His67Tyr (NM_001439342.1); c.211C>T, p.His71Tyr (NM_001439343.1); short protein forms H62Y, H71Y, H67Y.
Identifiers: ClinVar variation 4740797 (VCV004740797.1).

ClinVar aggregate classification (germline): Uncertain significance (1 of 4 stars; one submission).

Submission:

Labcorp Genetics (formerly Invitae), Labcorp
Classification: Uncertain significance. Last evaluated: 2025-09-08. Review status: criteria provided, single submitter. Criteria: Invitae Variant Classification Sherloc (09022015). Collection method: clinical testing. Allele origin: germline.
Comment: This sequence change replaces histidine, which is basic and polar, with tyrosine, which is neutral and polar, at codon 71 of the SLC1A2 protein (p.His71Tyr). This variant is not present in population databases (gnomAD no frequency). This variant has not been reported in the literature in individuals affected with SLC1A2-related conditions. Invitae Evidence Modeling of protein sequence and biophysical properties (such as structural, functional, and spatial information, amino acid conservation, physicochemical variation, residue mobility, and thermodynamic stability) indicates that this missense variant is not expected to disrupt SLC1A2 protein function with a negative predictive value of 80%. In summary, the available evidence is currently insufficient to determine the role of this variant in disease. Therefore, it has been classified as a Variant of Uncertain Significance.